The following is an entry in ClinVar:

ClinVar aggregate classification (germline): Uncertain significance (1 of 4 stars; one submission).

Allele frequency attached by ClinVar (database versions not stated): gnomAD exomes below 0.00001; ExAC 0.00001.
gnomAD v4.1: 1 of 1,614,064 alleles (0.000062%); highest among the groups gnomAD compares: Admixed American, 0.0017%; no homozygotes.

Submission:

Labcorp Genetics (formerly Invitae), Labcorp
Classification: Uncertain significance. Last evaluated: 2023-11-01. Review status: criteria provided, single submitter. Criteria: Invitae Variant Classification Sherloc (09022015). Collection method: clinical testing. Allele origin: germline.
Comment: This sequence change replaces histidine, which is basic and polar, with glutamine, which is neutral and polar, at codon 154 of the HMCN1 protein (p.His154Gln). This variant is present in population databases (rs779357269, gnomAD 0.003%). This variant has not been reported in the literature in individuals affected with HMCN1-related conditions. Algorithms developed to predict the effect of missense changes on protein structure and function output the following: SIFT: "Not Available"; PolyPhen-2: "Possibly Damaging"; Align-GVGD: "Not Available". The glutamine amino acid residue is found in multiple mammalian species, which suggests that this missense change does not adversely affect protein function. In summary, the available evidence is currently insufficient to determine the role of this variant in disease. Therefore, it has been classified as a Variant of Uncertain Significance.

NM_031935.3(HMCN1):c.462T>A (p.His154Gln)

Gene: HMCN1 (hemicentin 1; plus strand). Cytogenetic location: 1q31.1.
Variant type: single nucleotide variant.
Coding change: c.462T>A on transcript NM_031935.3 (MANE Select); coding-DNA position 462, T replaced by A.
Protein change: p.His154Gln; replaces histidine 154 with glutamine.
Molecular consequence: missense variant.
Genome position (GRCh38, 1-based): chr1:185,864,592, T>A. VCF-style: chr1-185864592-T-A. GRCh37 (hg19) VCF-style: chr1-185833724-T-A.
Other names: short protein forms H154Q.
Identifiers: ClinVar variation 2762485 (VCV002762485.3), dbSNP rs779357269, ClinGen allele CA1290840.